The following is an entry in ClinVar:

NM_000505.4(F12):c.941C>G (p.Pro314Arg)

Gene: F12 (coagulation factor XII; minus strand). Cytogenetic location: 5q35.3.
Variant type: single nucleotide variant.
Coding change: c.941C>G on transcript NM_000505.4 (MANE Select); coding-DNA position 941, C replaced by G.
Protein change: p.Pro314Arg; replaces proline 314 with arginine.
Molecular consequence: missense variant.
Genome position (GRCh38, 1-based): chr5:177,404,273, G>C on the plus strand (C>G on the coding strand, the complement: F12 is on the minus strand). VCF-style: chr5-177404273-G-C. GRCh37 (hg19) VCF-style: chr5-176831274-G-C.
Other names: short protein forms P314R.
Identifiers: ClinVar variation 3606115 (VCV003606115.2).

ClinVar aggregate classification (germline): Uncertain significance (1 of 4 stars; one submission).

Submission:

Labcorp Genetics (formerly Invitae), Labcorp
Classification: Uncertain significance. Last evaluated: 2024-05-03. Review status: criteria provided, single submitter. Criteria: Invitae Variant Classification Sherloc (09022015). Collection method: clinical testing. Allele origin: germline.
Comment: This sequence change replaces proline, which is neutral and non-polar, with arginine, which is basic and polar, at codon 314 of the F12 protein (p.Pro314Arg). This variant is not present in population databases (gnomAD no frequency). This variant has not been reported in the literature in individuals affected with F12-related conditions. An algorithm developed to predict the effect of missense changes on protein structure and function (PolyPhen-2) suggests that this variant is likely to be tolerated. In summary, the available evidence is currently insufficient to determine the role of this variant in disease. Therefore, it has been classified as a Variant of Uncertain Significance.